The following is an entry in ClinVar:

ClinVar aggregate classification (germline): Uncertain significance. Review status: criteria provided, multiple submitters, no conflicts (2 of 4 stars). 2 submissions from 2 submitters: Uncertain significance (2). Last evaluated 2025-10-22.

Conditions:
Familial melanoma. Also called: Hereditary melanoma; Hereditary cutaneous melanoma. Identifiers: Orphanet 618, MedGen C1512419, MONDO:0018961.
Hereditary cancer-predisposing syndrome. Also called: Neoplastic Syndromes, Hereditary; Tumor predisposition; Hereditary neoplastic syndrome; Hereditary Cancer Syndrome. Identifiers: Orphanet 140162, MedGen C0027672, MeSH D009386, MONDO:0015356.

Submissions (2):

Ambry Genetics
Classification: Uncertain significance for Hereditary cancer-predisposing syndrome. Last evaluated: 2025-10-22. Review status: criteria provided, single submitter. Criteria: Ambry Variant Classification Scheme 2023. Collection method: clinical testing. Allele origin: germline.
Comment: The p.L91M variant (also known as c.271C>A), located in coding exon 2 of the CDKN2A gene, results from a C to A substitution at nucleotide position 271. The leucine at codon 91 is replaced by methionine, an amino acid with highly similar properties. Of note, this variant is also known as c.314C>A (p.P105H) in the p14(ARF) isoform. This amino acid position is well conserved in available vertebrate species. In addition, the in silico prediction for this alteration is inconclusive. Based on the available evidence, the clinical significance of this variant remains unclear.

Labcorp Genetics (formerly Invitae), Labcorp
Classification: Uncertain significance for Familial melanoma. Last evaluated: 2023-09-19. Review status: criteria provided, single submitter. Criteria: Invitae Variant Classification Sherloc (09022015). Collection method: clinical testing. Allele origin: germline.
Comment: The CDKN2A gene encodes two different proteins, p16INK4a and p14ARF, which are translated from alternative transcripts with different open reading frames. Both transcripts have been analyzed. We report either the variant with the higher classification or default to the CDKN2A (p16INK4a) variant. This report therefore includes the details for the CDKN2A (p16INK4a) variant. This variant is also known as c.314C>A (p.Pro105His) in CDKN2A (p14ARF) transcript. In summary, the available evidence is currently insufficient to determine the role of this variant in disease. Therefore, it has been classified as a Variant of Uncertain Significance. An algorithm developed to predict the effect of missense changes on protein structure and function (PolyPhen-2) suggests that this variant is likely to be tolerated. This variant has not been reported in the literature in individuals affected with CDKN2A (p16INK4a)-related conditions. This variant is not present in population databases (gnomAD no frequency). This sequence change replaces leucine, which is neutral and non-polar, with methionine, which is neutral and non-polar, at codon 91 of the CDKN2A (p16INK4a) protein (p.Leu91Met).

NM_000077.5(CDKN2A):c.271C>A (p.Leu91Met)

Gene: CDKN2A (cyclin dependent kinase inhibitor 2A; minus strand). Cytogenetic location: 9p21.3.
Variant type: single nucleotide variant.
Coding change: c.271C>A on transcript NM_000077.5; coding-DNA position 271, C replaced by A.
Protein change: p.Leu91Met; replaces leucine 91 with methionine.
Molecular consequence: missense variant (on NM_000077.6). On other transcripts: 3 prime UTR variant (1).
Genome position (GRCh38, 1-based): chr9:21,971,088, G>T on the plus strand (C>A on the coding strand, the complement: CDKN2A is on the minus strand). VCF-style: chr9-21971088-G-T. GRCh37 (hg19) VCF-style: chr9-21971087-G-T.
Other names: c.271C>A, p.Leu91Met (NM_000077.6, NM_001195132.2); c.118C>A, p.Leu40Met (NM_001363763.2); c.314C>A, p.Pro105His (NM_058195.4); c.*194C>A (NM_058197.5); short protein forms L40M, L91M, P105H.
Identifiers: ClinVar variation 2762000 (VCV002762000.4), dbSNP rs1554654063, ClinGen allele CA373086183.